The following is an entry in ClinVar:

ClinVar aggregate classification (germline): Uncertain significance. Review status: criteria provided, multiple submitters, no conflicts (2 of 4 stars). 3 submissions from 3 submitters: Uncertain significance (3). Last evaluated 2022-11-18.

Conditions:
Inborn genetic diseases. Identifiers: MedGen C0950123, MeSH D030342.

Allele frequency attached by ClinVar (database versions not stated): gnomAD exomes below 0.00001 and 0.00001; ExAC 0.00001; gnomAD 0.00002; TOPMed 0.00002; ESP Exome Variant Server 0.00012.
gnomAD v4.1: 16 of 1,612,836 alleles (0.00099%); highest among the groups gnomAD compares: Admixed American, 0.0017%; no homozygotes.

Submissions (3):

Ambry Genetics
Classification: Uncertain significance for Inborn genetic diseases. Last evaluated: 2022-11-18. Review status: criteria provided, single submitter. Criteria: Ambry Variant Classification Scheme 2023. Collection method: clinical testing. Allele origin: germline.

Labcorp Genetics (formerly Invitae), Labcorp
Classification: Uncertain significance. Last evaluated: 2022-10-24. Review status: criteria provided, single submitter. Criteria: Invitae Variant Classification Sherloc (09022015). Collection method: clinical testing. Allele origin: germline.
Comment: This sequence change replaces alanine, which is neutral and non-polar, with threonine, which is neutral and polar, at codon 289 of the SKIV2L protein (p.Ala289Thr). This variant is not present in population databases (gnomAD no frequency). This variant has not been reported in the literature in individuals affected with SKIV2L-related conditions. ClinVar contains an entry for this variant (Variation ID: 1310564). Algorithms developed to predict the effect of missense changes on protein structure and function (SIFT, PolyPhen-2, Align-GVGD) all suggest that this variant is likely to be tolerated. In summary, the available evidence is currently insufficient to determine the role of this variant in disease. Therefore, it has been classified as a Variant of Uncertain Significance.

GeneDx
Classification: Uncertain significance. Last evaluated: 2019-09-09. Review status: criteria provided, single submitter. Criteria: GeneDx Variant Classification Process June 2021. Collection method: clinical testing. Allele origin: germline. Affected: yes.
Comment: In silico analysis, which includes protein predictors and evolutionary conservation, supports that this variant does not alter protein structure/function; Has not been previously published as pathogenic or benign to our knowledge

NM_006929.5(SKIC2):c.865G>A (p.Ala289Thr)

Gene: SKIC2 (SKI2 subunit of superkiller complex; plus strand). Cytogenetic location: 6p21.33.
Variant type: single nucleotide variant.
Coding change: c.865G>A on transcript NM_006929.5 (MANE Select); coding-DNA position 865, G replaced by A.
Protein change: p.Ala289Thr; replaces alanine 289 with threonine.
Molecular consequence: missense variant.
Genome position (GRCh38, 1-based): chr6:31,961,622, G>A. VCF-style: chr6-31961622-G-A. GRCh37 (hg19) VCF-style: chr6-31929399-G-A.
Other names: short protein forms A289T.
Identifiers: ClinVar variation 1310564 (VCV001310564.4), dbSNP rs151070502, ClinGen allele CA3729270.